The following is an entry in ClinVar:

NM_031844.3(HNRNPU):c.2374A>C (p.Asn792His)

Gene: HNRNPU (heterogeneous nuclear ribonucleoprotein U; minus strand). Cytogenetic location: 1q44.
Variant type: single nucleotide variant.
Coding change: c.2374A>C on transcript NM_031844.3 (MANE Select); coding-DNA position 2374, A replaced by C.
Protein change: p.Asn792His; replaces asparagine 792 with histidine.
Molecular consequence: missense variant.
Genome position (GRCh38, 1-based): chr1:244,855,023, T>G on the plus strand (A>C on the coding strand, the complement: HNRNPU is on the minus strand). VCF-style: chr1-244855023-T-G. GRCh37 (hg19) VCF-style: chr1-245018325-T-G.
Other names: c.2317A>C, p.Asn773His (NM_004501.3); short protein forms N773H, N792H.
Identifiers: ClinVar variation 2074261 (VCV002074261.29), dbSNP rs770010858, ClinGen allele CA1486246.

ClinVar aggregate classification (germline): Conflicting classifications of pathogenicity. Review status: criteria provided, conflicting classifications (1 of 4 stars). 3 submissions from 3 submitters: Uncertain significance (2); Likely benign (1). Last evaluated 2025-05-13.

Conditions:
Developmental and epileptic encephalopathy, 54. Also called: HNRNPU-Related Neurodevelopmental Disorder; Epileptic encephalopathy, early infantile, 54. Identifiers: MedGen C4479319, MONDO:0033363, OMIM 617391.

Allele frequency attached by ClinVar (database versions not stated): ExAC 0.00001; gnomAD 0.00001; TOPMed 0.00001.

Submissions (3):

Labcorp Genetics (formerly Invitae), Labcorp
Classification: Uncertain significance for Developmental and epileptic encephalopathy, 54. Last evaluated: 2025-05-13. Review status: criteria provided, single submitter. Criteria: Invitae Variant Classification Sherloc (09022015). Collection method: clinical testing. Allele origin: germline.
Comment: This sequence change replaces asparagine, which is neutral and polar, with histidine, which is basic and polar, at codon 792 of the HNRNPU protein (p.Asn792His). This variant is present in population databases (rs770010858, gnomAD 0.0009%). This variant has not been reported in the literature in individuals affected with HNRNPU-related conditions. ClinVar contains an entry for this variant (Variation ID: 2074261). Invitae Evidence Modeling of protein sequence and biophysical properties (such as structural, functional, and spatial information, amino acid conservation, physicochemical variation, residue mobility, and thermodynamic stability) indicates that this missense variant is not expected to disrupt HNRNPU protein function with a negative predictive value of 95%. In summary, the available evidence is currently insufficient to determine the role of this variant in disease. Therefore, it has been classified as a Variant of Uncertain Significance.

Laboratory of Genetics, Children's Clinical University Hospital Latvia
Classification: Likely benign. Last evaluated: 2025-02-16. Review status: criteria provided, single submitter. Criteria: ACMG Guidelines, 2015. Collection method: clinical testing. Allele origin: germline. Affected: yes.

CeGaT Center for Human Genetics Tuebingen
Classification: Uncertain significance. Last evaluated: 2022-06-01. Review status: criteria provided, single submitter. Criteria: CeGaT Center For Human Genetics Tuebingen Variant Classification Criteria Version 2. Collection method: clinical testing. Allele origin: germline. Affected: yes. Observed: 1 variant allele.
Comment: HNRNPU: PP2